The following is an entry in ClinVar:

ClinVar aggregate classification (germline): Uncertain significance (1 of 4 stars; one submission).

Submission:

Labcorp Genetics (formerly Invitae), Labcorp
Classification: Uncertain significance. Last evaluated: 2022-09-13. Review status: criteria provided, single submitter. Criteria: Invitae Variant Classification Sherloc (09022015). Collection method: clinical testing. Allele origin: germline.
Comment: This sequence change falls in intron 8 of the MDH2 gene. It does not directly change the encoded amino acid sequence of the MDH2 protein. It affects a nucleotide within the consensus splice site. In summary, the available evidence is currently insufficient to determine the role of this variant in disease. Therefore, it has been classified as a Variant of Uncertain Significance. Variants that disrupt the consensus splice site are a relatively common cause of aberrant splicing (PMID: 17576681, 9536098). Algorithms developed to predict the effect of sequence changes on RNA splicing suggest that this variant may create or strengthen a splice site. ClinVar contains an entry for this variant (Variation ID: 1439914). This variant has not been reported in the literature in individuals affected with MDH2-related conditions. This variant is not present in population databases (gnomAD no frequency).

Literature cited by the submitters: PubMed 17576681; PubMed 9536098.

NM_005918.4(MDH2):c.886-3C>A

Gene: MDH2 (malate dehydrogenase 2; plus strand). Cytogenetic location: 7q11.23.
Variant type: single nucleotide variant.
Coding change: c.886-3C>A on transcript NM_005918.4 (MANE Select); 3 bases into the intron before coding-DNA position 886, C replaced by A.
Molecular consequence: intron variant.
Genome position (GRCh38, 1-based): chr7:76,066,276, C>A. VCF-style: chr7-76066276-C-A. GRCh37 (hg19) VCF-style: chr7-75695594-C-A.
Other names: c.760-3C>A (NM_001282403.2); c.565-3C>A (NM_001282404.2).
Identifiers: ClinVar variation 1439914 (VCV001439914.6), dbSNP rs2116707990, ClinGen allele CA2573142426.